The following is an entry in ClinVar:

NC_000010.10:g.(?_8097619)_(8739580_?)del

Gene: GATA3 (GATA binding protein 3; plus strand). Cytogenetic location: 10p14.
Variant type: Deletion.
Identifiers: ClinVar variation 1406588 (VCV001406588.5).

ClinVar aggregate classification (germline): Pathogenic (1 of 4 stars; one submission).

Submission:

Labcorp Genetics (formerly Invitae), Labcorp
Classification: Pathogenic. Last evaluated: 2023-12-18. Review status: criteria provided, single submitter. Criteria: Invitae Variant Classification Sherloc (09022015). Collection method: clinical testing. Allele origin: germline.
Comment: A gross deletion of the genomic region encompassing the full coding sequence of the GATA3 gene has been identified. Loss-of-function variants in GATA3 are known to be pathogenic (PMID: 14985365, 21242646). The boundaries of this event are unknown as they extend beyond the assayed region for this gene and therefore may encompass additional genes. Isolated whole-gene deletions of GATA3 have not been reported in the literature. However, larger copy number events that include this gene have been reported (PMID: 15337474, 21242646, 26762557). For these reasons, this variant has been classified as Pathogenic.

Literature cited by the submitters: PubMed 14985365; PubMed 21242646; PubMed 15337474; PubMed 26762557.